The following is an entry in ClinVar:

ClinVar aggregate classification (germline): Uncertain significance (1 of 4 stars; one submission).

Allele frequency attached by ClinVar (database versions not stated): gnomAD exomes below 0.00001; TOPMed below 0.00001; ExAC 0.00002.
gnomAD v4.1: 2 of 1,611,038 alleles (0.00012%); highest among the groups gnomAD compares: Admixed American, 0.0033%; no homozygotes.

Submission:

Labcorp Genetics (formerly Invitae), Labcorp
Classification: Uncertain significance. Last evaluated: 2022-06-08. Review status: criteria provided, single submitter. Criteria: Invitae Variant Classification Sherloc (09022015). Collection method: clinical testing. Allele origin: germline.
Comment: This sequence change falls in intron 46 of the DOCK6 gene. It does not directly change the encoded amino acid sequence of the DOCK6 protein. It affects a nucleotide within the consensus splice site. This variant is present in population databases (rs756005941, gnomAD 0.003%). This variant has not been reported in the literature in individuals affected with DOCK6-related conditions. Variants that disrupt the consensus splice site are a relatively common cause of aberrant splicing (PMID: 17576681, 9536098). Algorithms developed to predict the effect of sequence changes on RNA splicing suggest that this variant is not likely to affect RNA splicing. In summary, the available evidence is currently insufficient to determine the role of this variant in disease. Therefore, it has been classified as a Variant of Uncertain Significance.

Literature cited by the submitters: PubMed 17576681; PubMed 9536098.

NM_020812.4(DOCK6):c.5939+4G>C

Gene: DOCK6 (dedicator of cytokinesis 6; minus strand). Cytogenetic location: 19p13.2.
Variant type: single nucleotide variant.
Coding change: c.5939+4G>C on transcript NM_020812.4 (MANE Select); 4 bases into the intron after coding-DNA position 5939, G replaced by C.
Molecular consequence: intron variant.
Genome position (GRCh38, 1-based): chr19:11,200,712, C>G on the plus strand (G>C on the coding strand, the complement: DOCK6 is on the minus strand). VCF-style: chr19-11200712-C-G. GRCh37 (hg19) VCF-style: chr19-11311388-C-G.
Other names: c.6044+4G>C (NM_001367830.1).
Identifiers: ClinVar variation 1925964 (VCV001925964.2), dbSNP rs756005941, ClinGen allele CA9206294.